The following is an entry in ClinVar:

NM_000430.4(PAFAH1B1):c.553A>C (p.Ile185Leu)

Gene: PAFAH1B1 (platelet activating factor acetylhydrolase 1b regulatory subunit 1; plus strand). Cytogenetic location: 17p13.3.
Variant type: single nucleotide variant.
Coding change: c.553A>C on transcript NM_000430.4 (MANE Select); coding-DNA position 553, A replaced by C.
Protein change: p.Ile185Leu; replaces isoleucine 185 with leucine.
Molecular consequence: missense variant.
Genome position (GRCh38, 1-based): chr17:2,670,316, A>C. VCF-style: chr17-2670316-A-C. GRCh37 (hg19) VCF-style: chr17-2573610-A-C.
Other names: short protein forms I185L.
Identifiers: ClinVar variation 2897598 (VCV002897598.3), dbSNP rs2069164611, ClinGen allele CA397640397.

ClinVar aggregate classification (germline): Uncertain significance (1 of 4 stars; one submission).

Allele frequency attached by ClinVar (database versions not stated): TOPMed below 0.00001.

Submission:

Labcorp Genetics (formerly Invitae), Labcorp
Classification: Uncertain significance. Last evaluated: 2024-01-07. Review status: criteria provided, single submitter. Criteria: Invitae Variant Classification Sherloc (09022015). Collection method: clinical testing. Allele origin: germline.
Comment: This sequence change replaces isoleucine, which is neutral and non-polar, with leucine, which is neutral and non-polar, at codon 185 of the PAFAH1B1 protein (p.Ile185Leu). This variant is not present in population databases (gnomAD no frequency). This variant has not been reported in the literature in individuals affected with PAFAH1B1-related conditions. An algorithm developed to predict the effect of missense changes on protein structure and function (PolyPhen-2) suggests that this variant is likely to be tolerated. In summary, the available evidence is currently insufficient to determine the role of this variant in disease. Therefore, it has been classified as a Variant of Uncertain Significance.